The following is an entry in ClinVar:

NM_001042492.3(NF1):c.1324A>G (p.Met442Val)

Gene: NF1 (neurofibromin 1; plus strand). Cytogenetic location: 17q11.2.
Variant type: single nucleotide variant.
Coding change: c.1324A>G on transcript NM_001042492.3 (MANE Select); coding-DNA position 1324, A replaced by G.
Protein change: p.Met442Val; replaces methionine 442 with valine.
Molecular consequence: missense variant.
Genome position (GRCh38, 1-based): chr17:31,206,303, A>G. VCF-style: chr17-31206303-A-G. GRCh37 (hg19) VCF-style: chr17-29533321-A-G.
Other names: c.1324A>G, p.Met442Val (NM_000267.4, NM_001128147.3); short protein forms M442V.
Identifiers: ClinVar variation 939488 (VCV000939488.6), dbSNP rs2066620431, ClinGen allele CA398999453.
Genomic context (GRCh38, chr17:31,206,303, plus strand): 5'-GCATTGGATTGGTGGCCTAAGATTGATGCTGTGTATTGTCACTCGGTTGAACTTCGAAAT[A>G]TGTTTGGTGAAACACTTCATAAAGCAGTGCAAGGTTGTGGAGCACACCCAGCAATACGAA-3'
Protein context (NP_001035957.1, residues 432-452): VYCHSVELRN[Met442Val]FGETLHKAVQ

ClinVar aggregate classification (germline): Uncertain significance (1 of 4 stars; one submission).

Conditions:
Neurofibromatosis, type 1 (NF1). Also called: Peripheral type neurofibromatosis; VON RECKLINGHAUSEN DISEASE; Neurofibromatosis, type I; NEUROFIBROMATOSIS, TYPE I, SOMATIC. Identifiers: Orphanet 636, MedGen C0027831, MONDO:0018975, OMIM 162200. Disease mechanism: loss of function.

Submission:

Labcorp Genetics (formerly Invitae), Labcorp
Classification: Uncertain significance for Neurofibromatosis, type 1. Last evaluated: 2024-09-16. Review status: criteria provided, single submitter. Criteria: Invitae Variant Classification Sherloc (09022015). Collection method: clinical testing. Allele origin: germline.
Comment: This sequence change replaces methionine, which is neutral and non-polar, with valine, which is neutral and non-polar, at codon 442 of the NF1 protein (p.Met442Val). This variant is not present in population databases (gnomAD no frequency). This variant has not been reported in the literature in individuals affected with NF1-related conditions. ClinVar contains an entry for this variant (Variation ID: 939488). Invitae Evidence Modeling of protein sequence and biophysical properties (such as structural, functional, and spatial information, amino acid conservation, physicochemical variation, residue mobility, and thermodynamic stability) indicates that this missense variant is expected to disrupt NF1 protein function with a positive predictive value of 95%. In summary, the available evidence is currently insufficient to determine the role of this variant in disease. Therefore, it has been classified as a Variant of Uncertain Significance.